The following is an entry in ClinVar:

ClinVar aggregate classification (germline): Uncertain significance. Review status: criteria provided, multiple submitters, no conflicts (2 of 4 stars). 2 submissions from 2 submitters: Uncertain significance (2). Last evaluated 2025-07-27.

Allele frequency attached by ClinVar (database versions not stated): TOPMed 0.00004; gnomAD 0.00006.

Submissions (2):

Labcorp Genetics (formerly Invitae), Labcorp
Classification: Uncertain significance. Last evaluated: 2025-07-27. Review status: criteria provided, single submitter. Criteria: Invitae Variant Classification Sherloc (09022015). Collection method: clinical testing. Allele origin: germline.
Comment: This sequence change replaces arginine, which is basic and polar, with glutamine, which is neutral and polar, at codon 57 of the CCT2 protein (p.Arg57Gln). This variant is present in population databases (rs778745250, gnomAD 0.01%). This variant has not been reported in the literature in individuals affected with CCT2-related conditions. ClinVar contains an entry for this variant (Variation ID: 954016). An algorithm developed to predict the effect of missense changes on protein structure and function (PolyPhen-2) suggests that this variant is likely to be tolerated. In summary, the available evidence is currently insufficient to determine the role of this variant in disease. Therefore, it has been classified as a Variant of Uncertain Significance.

Ambry Genetics
Classification: Uncertain significance. Last evaluated: 2025-06-07. Review status: criteria provided, single submitter. Criteria: Ambry Variant Classification Scheme 2023. Collection method: clinical testing. Allele origin: germline.

NM_006431.3(CCT2):c.170G>A (p.Arg57Gln)

Gene: CCT2 (chaperonin containing TCP1 subunit 2; plus strand). Cytogenetic location: 12q15.
Variant type: single nucleotide variant.
Coding change: c.170G>A on transcript NM_006431.3 (MANE Select); coding-DNA position 170, G replaced by A.
Protein change: p.Arg57Gln; replaces arginine 57 with glutamine.
Molecular consequence: missense variant.
Genome position (GRCh38, 1-based): chr12:69,587,530, G>A. VCF-style: chr12-69587530-G-A. GRCh37 (hg19) VCF-style: chr12-69981310-G-A.
Other names: c.29G>A, p.Arg10Gln (NM_001198842.2); short protein forms R10Q, R57Q.
Identifiers: ClinVar variation 954016 (VCV000954016.10), dbSNP rs778745250, ClinGen allele CA6680485.
Genomic context (GRCh38, chr12:69,587,530, plus strand): 5'-TATGTCTTAACTTGAACCAATTATGTTCCCTTTAGGACAAAATTCTTCTAAGCAGTGGAC[G>A]AGATGCCTCTCTTATGGTAACCAATGATGGTGCCACTATTCTAAAAAACATTGGTGTTGA-3'
Protein context (NP_006422.1, residues 47-67): GMDKILLSSG[Arg57Gln]DASLMVTNDG